The following is an entry in ClinVar:

NM_016938.5(EFEMP2):c.1230G>T (p.Glu410Asp)

Genes: EFEMP2 (EGF containing fibulin extracellular matrix protein 2; minus strand), MUS81 (MUS81 structure-specific endonuclease subunit; plus strand). Cytogenetic location: 11q13.1.
Variant type: single nucleotide variant.
Coding change: c.1230G>T on transcript NM_016938.5 (MANE Select); coding-DNA position 1230, G replaced by T.
Protein change: p.Glu410Asp; replaces glutamic acid 410 with aspartic acid.
Molecular consequence: missense variant. On other transcripts: non-coding transcript variant (1).
Genome position (GRCh38, 1-based): chr11:65,867,020, C>A on the plus strand (G>T on the coding strand, the complement: EFEMP2 is on the minus strand). VCF-style: chr11-65867020-C-A. GRCh37 (hg19) VCF-style: chr11-65634491-C-A.
Other names: short protein forms E410D.
Identifiers: ClinVar variation 3843636 (VCV003843636.1).

ClinVar aggregate classification (germline): Uncertain significance (1 of 4 stars; one submission).

Conditions:
Cardiovascular phenotype. Identifiers: MedGen CN230736.

gnomAD v4.1: 1 of 1,614,200 alleles (0.000062%); highest among the groups gnomAD compares: South Asian, 0.0011%; no homozygotes.

Submission:

Ambry Genetics
Classification: Uncertain significance for Cardiovascular phenotype. Last evaluated: 2025-02-06. Review status: criteria provided, single submitter. Criteria: Ambry Variant Classification Scheme 2023. Collection method: clinical testing. Allele origin: germline.
Comment: The p.E410D variant (also known as c.1230G>T), located in coding exon 10 of the EFEMP2 gene, results from a G to T substitution at nucleotide position 1230. The glutamic acid at codon 410 is replaced by aspartic acid, an amino acid with highly similar properties. This amino acid position is conserved. In addition, this alteration is predicted to be deleterious by in silico analysis. Based on the available evidence, the clinical significance of this variant remains unclear.